The following is an entry in ClinVar:

ClinVar aggregate classification (germline): Uncertain significance (1 of 4 stars; one submission).

Conditions:
Inborn genetic diseases. Identifiers: MedGen C0950123, MeSH D030342.

Submission:

Ambry Genetics
Classification: Uncertain significance for Inborn genetic diseases. Last evaluated: 2026-08-15. Review status: criteria provided, single submitter. Criteria: Ambry Variant Classification Scheme 2023. Collection method: clinical testing. Allele origin: germline.
Comment: The p.P670Q variant (also known as c.2009C>A), located in coding exon 12 of the BMPR2 gene, results from a C to A substitution at nucleotide position 2009. The proline at codon 670 is replaced by glutamine, an amino acid with similar properties. This amino acid position is conserved. In addition, this alteration is predicted to be deleterious by in silico analysis. Based on the available evidence, the clinical significance of this variant remains unclear.

NM_001204.7(BMPR2):c.2009C>A (p.Pro670Gln)

Gene: BMPR2 (bone morphogenetic protein receptor type 2; plus strand). Cytogenetic location: 2q33.2.
Variant type: single nucleotide variant.
Coding change: c.2009C>A on transcript NM_001204.7 (MANE Select); coding-DNA position 2009, C replaced by A.
Protein change: p.Pro670Gln; replaces proline 670 with glutamine.
Molecular consequence: missense variant.
Genome position (GRCh38, 1-based): chr2:202,555,674, C>A. VCF-style: chr2-202555674-C-A. GRCh37 (hg19) VCF-style: chr2-203420397-C-A.
Other names: short protein forms P670Q.
Identifiers: ClinVar variation 5033116 (VCV005033116.1).